The following is an entry in ClinVar:

ClinVar aggregate classification (germline): Uncertain significance (1 of 4 stars; one submission).

Conditions:
Hereditary spastic paraplegia 47. Also called: CEREBRAL PALSY, SPASTIC QUADRIPLEGIC, 5; Spastic paraplegia 47, autosomal recessive; adaptor protein 4 (AP-4) deficiency syndrome. Identifiers: Orphanet 280763, MedGen C3279738, MONDO:0013551, OMIM 614066.

Submission:

Labcorp Genetics (formerly Invitae), Labcorp
Classification: Uncertain significance for Hereditary spastic paraplegia 47. Last evaluated: 2022-02-08. Review status: criteria provided, single submitter. Criteria: Invitae Variant Classification Sherloc (09022015). Collection method: clinical testing. Allele origin: germline.
Comment: This sequence change replaces asparagine, which is neutral and polar, with tyrosine, which is neutral and polar, at codon 554 of the AP4B1 protein (p.Asn554Tyr). This variant is not present in population databases (gnomAD no frequency). This variant has not been reported in the literature in individuals affected with AP4B1-related conditions. Algorithms developed to predict the effect of missense changes on protein structure and function are either unavailable or do not agree on the potential impact of this missense change (SIFT: "Tolerated"; PolyPhen-2: "Possibly Damaging"; Align-GVGD: "Class C0"). In summary, the available evidence is currently insufficient to determine the role of this variant in disease. Therefore, it has been classified as a Variant of Uncertain Significance.

NM_001253852.3(AP4B1):c.1660A>T (p.Asn554Tyr)

Genes: AP4B1 (adaptor related protein complex 4 subunit beta 1; minus strand), AP4B1-AS1 (AP4B1 antisense RNA 1; plus strand). Cytogenetic location: 1p13.2.
Variant type: single nucleotide variant.
Coding change: c.1660A>T on transcript NM_001253852.3 (MANE Select); coding-DNA position 1660, A replaced by T.
Protein change: p.Asn554Tyr; replaces asparagine 554 with tyrosine.
Molecular consequence: missense variant.
Genome position (GRCh38, 1-based): chr1:113,895,889, T>A on the plus strand (A>T on the coding strand, the complement: AP4B1 is on the minus strand). VCF-style: chr1-113895889-T-A. GRCh37 (hg19) VCF-style: chr1-114438511-T-A.
Other names: c.1363A>T, p.Asn455Tyr (NM_001253853.3); c.1156A>T, p.Asn386Tyr (NM_001308312.2); c.1660A>T, p.Asn554Tyr (NM_006594.5); short protein forms N386Y, N455Y, N554Y.
Identifiers: ClinVar variation 1441325 (VCV001441325.6), dbSNP rs2100994814, ClinGen allele CA341708787.
Genomic context (GRCh38, chr1:113,895,889, plus strand): 5'-TTGCCCAGTGGGCTTTGCCATACACTGGCACCAGTGTGTTGAAGTCTGAGGCCCAGCTAT[T>A]CACAGGTCTTTCTGCCGGATCCTCCAAAAGTCCAAGAGTAGGGTCAGATTTAGGGCTACA-3'
Protein context (NP_001240781.1, residues 544-564): LLEDPAERPV[Asn554Tyr]SWASDFNTLV